The following is an entry in ClinVar:

NM_006265.3(RAD21):c.1440T>C (p.Ala480=)

Gene: RAD21 (RAD21 cohesin complex component; minus strand). Cytogenetic location: 8q24.11.
Variant type: single nucleotide variant.
Coding change: c.1440T>C on transcript NM_006265.3 (MANE Select); coding-DNA position 1440, T replaced by C.
Protein change: p.Ala480=; no amino-acid change (alanine 480 retained).
Molecular consequence: synonymous variant.
Genome position (GRCh38, 1-based): chr8:116,851,978, A>G on the plus strand (T>C on the coding strand, the complement: RAD21 is on the minus strand). VCF-style: chr8-116851978-A-G. GRCh37 (hg19) VCF-style: chr8-117864217-A-G.
Identifiers: ClinVar variation 159805 (VCV000159805.24), dbSNP rs1050838, ClinGen allele CA173309.

ClinVar aggregate classification (germline): Benign. Review status: criteria provided, multiple submitters, no conflicts (2 of 4 stars). 9 submissions from 8 submitters: Benign (9). Last evaluated 2026-02-03.

Conditions:
Mungan syndrome (MGS). Identifiers: MedGen C1969653, MONDO:0012657, OMIM 611376.
Inborn genetic diseases. Identifiers: MedGen C0950123, MeSH D030342.
Cornelia de Lange syndrome 4 (CDLS4). Also called: RAD21-Related Cornelia de Lange Syndrome; CORNELIA DE LANGE SYNDROME 4 WITH OR WITHOUT MIDLINE BRAIN DEFECTS. Identifiers: Orphanet 199, MedGen C3553517, MONDO:0013864, OMIM 614701.

Allele frequency attached by ClinVar (database versions not stated): ESP Exome Variant Server 0.12410; gnomAD 0.13137 and 0.13625; 1000 Genomes Project 30x 0.13242; 1000 Genomes Project 0.13319; TOPMed 0.13350; gnomAD exomes 0.16897 and 0.17760; ExAC 0.17277.
gnomAD v4.1: 266,718 of 1,609,546 alleles (17%); highest among the groups gnomAD compares: Admixed American, 24%; 23,475 homozygotes.

Submissions (9):

Labcorp Genetics (formerly Invitae), Labcorp
Classification: Benign for Cornelia de Lange syndrome 4. Last evaluated: 2026-02-03. Review status: criteria provided, single submitter. Criteria: Invitae Variant Classification Sherloc (09022015). Collection method: clinical testing. Allele origin: germline.

Blueprint Genetics
Classification: Benign. Last evaluated: 2024-11-27. Review status: criteria provided, single submitter. Criteria: ACMG Guidelines, 2015. Collection method: clinical testing. Allele origin: germline.

Genome-Nilou Lab
Classification: Benign for Mungan syndrome. Last evaluated: 2021-11-07. Review status: criteria provided, single submitter. Criteria: ACMG Guidelines, 2015. Collection method: clinical testing. Allele origin: germline. Affected: no.

Genome-Nilou Lab
Classification: Benign for Cornelia de Lange syndrome 4. Last evaluated: 2021-11-07. Review status: criteria provided, single submitter. Criteria: ACMG Guidelines, 2015. Collection method: clinical testing. Allele origin: germline. Affected: no.

GeneDx
Classification: Benign. Last evaluated: 2017-03-06. Review status: criteria provided, single submitter. Criteria: GeneDx Variant Classification (06012015). Collection method: clinical testing. Allele origin: germline. Affected: yes.
Comment: This variant is considered likely benign or benign based on one or more of the following criteria: it is a conservative change, it occurs at a poorly conserved position in the protein, it is predicted to be benign by multiple in silico algorithms, and/or has population frequency not consistent with disease.

Ambry Genetics
Classification: Benign for Inborn genetic diseases. Last evaluated: 2016-03-11. Review status: criteria provided, single submitter. Criteria: Ambry Variant Classification Scheme 2023. Collection method: clinical testing. Allele origin: germline.

Genetic Services Laboratory, University of Chicago
Classification: Benign. Last evaluated: 2013-08-15. Review status: criteria provided, single submitter. Criteria: ACMG Guidelines, 2007. Collection method: clinical testing. Allele origin: germline. Inheritance: Autosomal dominant inheritance.

Breakthrough Genomics
Classification: Benign. Review status: criteria provided, single submitter. Criteria: ACMG Guidelines, 2015. Collection method: not provided. Allele origin: germline. Inheritance: Autosomal recessive inheritance. Affected: yes.

PreventionGenetics, part of Exact Sciences
Classification: Benign. Review status: criteria provided, single submitter. Criteria: ACMG Guidelines, 2015. Collection method: clinical testing. Allele origin: germline.